The following is an entry in ClinVar:

NM_001008212.2(OPTN):c.1442C>T (p.Ala481Val)

Gene: OPTN (optineurin; plus strand). Cytogenetic location: 10p13.
Variant type: single nucleotide variant.
Coding change: c.1442C>T on transcript NM_001008212.2 (MANE Select); coding-DNA position 1442, C replaced by T.
Protein change: p.Ala481Val; replaces alanine 481 with valine.
Molecular consequence: missense variant.
Genome position (GRCh38, 1-based): chr10:13,132,107, C>T. VCF-style: chr10-13132107-C-T. GRCh37 (hg19) VCF-style: chr10-13174107-C-T.
Other names: c.1442C>T, p.Ala481Val (NM_001008211.1, NM_001008213.1, NM_021980.4); short protein forms A481V.
Identifiers: ClinVar variation 447910 (VCV000447910.14), dbSNP rs377219791, ClinGen allele CA5410970.

ClinVar aggregate classification (germline): Uncertain significance. Review status: criteria provided, multiple submitters, no conflicts (2 of 4 stars). 6 submissions from 5 submitters: Uncertain significance (6). Last evaluated 2025-12-19.

Conditions:
OPTN-related disorder. Also called: OPTN-related disorders; OPTN-related condition.
Amyotrophic lateral sclerosis type 12 (ALS12). Also called: AMYOTROPHIC LATERAL SCLEROSIS 12 WITH OR WITHOUT FRONTOTEMPORAL DEMENTIA. Identifiers: Orphanet 803, MedGen C3150692, MONDO:0013264, OMIM 613435.
Primary open angle glaucoma (POAG). Also called: OPTN-related open angle glaucoma. Identifiers: MedGen C0339573, MONDO:0100553, OMIM 137760.
Glaucoma 1, open angle, E. Identifiers: MedGen C1842026, MONDO:0007665.
Inborn genetic diseases. Identifiers: MedGen C0950123, MeSH D030342.

Allele frequency attached by ClinVar (database versions not stated): gnomAD 0.00003 and 0.00004; gnomAD exomes 0.00003 and 0.00006; TOPMed 0.00006; ESP Exome Variant Server 0.00008; ExAC 0.00003.
gnomAD v4.1: 88 of 1,613,102 alleles (0.0055%); highest among the groups gnomAD compares: Non-Finnish European, 0.0072%; no homozygotes.

Submissions (6):

PreventionGenetics, part of Exact Sciences
Classification: Uncertain significance for OPTN-related condition. Last evaluated: 2025-12-19. Review status: criteria provided, single submitter. Criteria: ACMG Guidelines, 2015. Collection method: clinical testing. Allele origin: germline.
Comment: The OPTN c.1442C>T variant is predicted to result in the amino acid substitution p.Ala481Val. This variant has been reported in individuals with amyotrophic lateral sclerosis (Belzil et al. 2011. PubMed ID: 21074290; Pensato et al. 2020. PubMed ID: 32028661). This variant was also reported in the compound heterozygous state in an individual with frontotemporal lobar degeneration (Pottier et al. 2015. PubMed ID: 25943890). This variant is reported in 0.0056% of alleles in individuals of Latino descent in gnomAD. At this time, the clinical significance of this variant is uncertain due to the absence of conclusive functional and genetic evidence.

Labcorp Genetics (formerly Invitae), Labcorp
Classification: Uncertain significance for Primary open angle glaucoma; Glaucoma 1, open angle, E; Amyotrophic lateral sclerosis type 12. Last evaluated: 2025-10-10. Review status: criteria provided, single submitter. Criteria: Invitae Variant Classification Sherloc (09022015). Collection method: clinical testing. Allele origin: germline.
Comment: This sequence change replaces alanine, which is neutral and non-polar, with valine, which is neutral and non-polar, at codon 481 of the OPTN protein (p.Ala481Val). This variant is present in population databases (rs377219791, gnomAD 0.006%). This missense change has been observed in individual(s) with clinical features of amyotrophic lateral sclerosis (PMID: 21074290, 25943890, 32028661; internal data). ClinVar contains an entry for this variant (Variation ID: 447910). Invitae Evidence Modeling of protein sequence and biophysical properties (such as structural, functional, and spatial information, amino acid conservation, physicochemical variation, residue mobility, and thermodynamic stability) indicates that this missense variant is expected to disrupt OPTN protein function with a positive predictive value of 80%. In summary, the available evidence is currently insufficient to determine the role of this variant in disease. Therefore, it has been classified as a Variant of Uncertain Significance.

Ambry Genetics
Classification: Uncertain significance for Inborn genetic diseases. Last evaluated: 2022-12-08. Review status: criteria provided, single submitter. Criteria: Ambry Variant Classification Scheme 2023. Collection method: clinical testing. Allele origin: germline.
Comment: Unlikely to be causative of OPTN-related amyotrophic lateral sclerosis (AD) Based on insufficient or conflicting evidence, the clinical significance of this alteration remains unclear.

Illumina Laboratory Services, Illumina
Classification: Uncertain significance for Amyotrophic lateral sclerosis type 12. Last evaluated: 2017-04-27. Review status: criteria provided, single submitter. Criteria: ICSL Variant Classification Criteria 13 December 2019. Collection method: clinical testing. Allele origin: germline.
Comment: This variant was observed as part of a predisposition screen in an ostensibly healthy population. A literature search was performed for the gene, cDNA change, and amino acid change (where applicable). Publications were found based on this search. However, the evidence from the literature, in combination with allele frequency data from public databases where available, was not sufficient to rule this variant in or out of causing disease. Therefore, this variant is classified as a variant of unknown significance.

Illumina Laboratory Services, Illumina
Classification: Uncertain significance for Primary open angle glaucoma. Last evaluated: 2017-04-27. Review status: criteria provided, single submitter. Criteria: ICSL Variant Classification Criteria 13 December 2019. Collection method: clinical testing. Allele origin: germline.

Athena Diagnostics
Classification: Uncertain significance. Last evaluated: 2016-12-29. Review status: criteria provided, single submitter. Criteria: Athena Diagnostics Criteria. Collection method: clinical testing. Allele origin: germline.

Literature cited by the submitters: PubMed 21074290 (cited by 4 submitters); PubMed 25943890 (cited by 3 submitters); PubMed 32028661 (cited by Labcorp Genetics (formerly Invitae), Labcorp and Ambry Genetics); PubMed 21852022 (cited by Athena Diagnostics); PubMed 21613650 (cited by Athena Diagnostics).